The following is an entry in ClinVar:

ClinVar aggregate classification (germline): Uncertain significance (1 of 4 stars; one submission).

Submission:

Ambry Genetics
Classification: Uncertain significance. Last evaluated: 2022-02-07. Review status: criteria provided, single submitter. Criteria: Ambry Variant Classification Scheme 2023. Collection method: clinical testing. Allele origin: germline.
Comment: The p.K763E variant (also known as c.2287A>G), located in coding exon 1 of the MLH3 gene, results from an A to G substitution at nucleotide position 2287. The lysine at codon 763 is replaced by glutamic acid, an amino acid with similar properties. This amino acid position is conserved. In addition, the in silico prediction for this alteration is inconclusive. Since supporting evidence is limited at this time, the clinical significance of this alteration remains unclear.

NM_001040108.2(MLH3):c.2287A>G (p.Lys763Glu)

Gene: MLH3 (mutL homolog 3; minus strand). Cytogenetic location: 14q24.3.
Variant type: single nucleotide variant.
Coding change: c.2287A>G on transcript NM_001040108.2 (MANE Select); coding-DNA position 2287, A replaced by G.
Protein change: p.Lys763Glu; replaces lysine 763 with glutamic acid.
Molecular consequence: missense variant.
Genome position (GRCh38, 1-based): chr14:75,047,369, T>C on the plus strand (A>G on the coding strand, the complement: MLH3 is on the minus strand). VCF-style: chr14-75047369-T-C. GRCh37 (hg19) VCF-style: chr14-75514072-T-C.
Other names: c.2287A>G, p.Lys763Glu (NM_014381.3); short protein forms K763E.
Identifiers: ClinVar variation 1789021 (VCV001789021.2), dbSNP rs2503273809, ClinGen allele CA390441031.